The following is an entry in ClinVar:

ClinVar aggregate classification (germline): Benign/Likely benign. Review status: criteria provided, multiple submitters, no conflicts (2 of 4 stars). 16 submissions from 16 submitters: Benign (7); Likely benign (4). 5 of the submissions do not count toward it. Last evaluated 2026-10-01.

Conditions:
Episodic kinesigenic dyskinesia (EKD). Also called: Paroxysmal kinesigenic dyskinesia. Identifiers: Orphanet 98809, MedGen C1868682, MONDO:0044202.
Inborn genetic diseases. Identifiers: MedGen C0950123, MeSH D030342.
Infantile convulsions and choreoathetosis (ICCA). Also called: PRRT2-Related Paroxysmal Kinesigenic Dyskinesia with Infantile Convulsions (PKD/IC); PAROXYSMAL KINESIGENIC DYSKINESIA WITH INFANTILE CONVULSIONS. Identifiers: Orphanet 31709, MedGen C1865926, MONDO:0011178, OMIM 602066.
Seizures, benign familial infantile, 2 (BFIS2). Also called: CONVULSIONS, BENIGN FAMILIAL INFANTILE, 2. Identifiers: Orphanet 306, MedGen C1853995, MONDO:0011593, OMIM 605751.
Episodic kinesigenic dyskinesia 1 (EKD1). Also called: PAROXYSMAL KINESIGENIC CHOREOATHETOSIS; PRRT2-Related Paroxysmal Kinesigenic Dyskinesia (PKD); PxMD-PRRT2; Dystonia 10; DYSTONIA, FAMILIAL PAROXYSMAL. Identifiers: Orphanet 98809, MedGen C4552000, MONDO:0100352, OMIM 128200, MONDO:0007494.
Seizure. Also called: Seizures. Identifiers: MedGen C0036572, HP:0001250.

Allele frequency attached by ClinVar (database versions not stated): TOPMed 0.00528; ESP Exome Variant Server 0.00568; 1000 Genomes Project 0.00240; 1000 Genomes Project 30x 0.00265.
gnomAD v4.1: 14,693 of 1,582,354 alleles (0.93%); highest among the groups gnomAD compares: Non-Finnish European, 1.1%; 87 homozygotes.

Submissions (16):

CeGaT Center for Human Genetics Tuebingen
Classification: Likely benign. Last evaluated: 2026-10-01. Review status: criteria provided, single submitter. Criteria: CeGaT Center For Human Genetics Tuebingen Variant Classification Criteria Version 2. Collection method: clinical testing. Allele origin: germline. Affected: yes. Observed: 66 variant alleles.
Comment: PRRT2: PM5, BS1, BS2

Labcorp Genetics (formerly Invitae), Labcorp
Classification: Benign for Episodic kinesigenic dyskinesia. Last evaluated: 2026-02-03. Review status: criteria provided, single submitter. Criteria: Invitae Variant Classification Sherloc (09022015). Collection method: clinical testing. Allele origin: germline.

Mayo Clinic Laboratories, Mayo Clinic
Classification: Benign. Last evaluated: 2023-02-21. Review status: criteria provided, single submitter. Criteria: ACMG Guidelines, 2015. Collection method: clinical testing. Allele origin: germline. Observed: 20 variant alleles.
Comment: BS1, BS2

Fulgent Genetics
Classification: Likely benign for Episodic kinesigenic dyskinesia 1; Infantile convulsions and choreoathetosis; Seizures, benign familial infantile, 2. Last evaluated: 2021-08-13. Review status: criteria provided, single submitter. Criteria: ACMG Guidelines, 2015. Collection method: clinical testing. Allele origin: unknown.

Athena Diagnostics
Classification: Benign. Last evaluated: 2019-12-30. Review status: criteria provided, single submitter. Criteria: Athena Diagnostics Criteria. Collection method: clinical testing. Allele origin: unknown.

Ambry Genetics
Classification: Benign for Inborn genetic diseases. Last evaluated: 2016-07-07. Review status: criteria provided, single submitter. Criteria: Ambry Variant Classification Scheme 2023. Collection method: clinical testing. Allele origin: germline.

Center for Pediatric Genomic Medicine, Children's Mercy Hospital and Clinics
Classification: Likely benign. Last evaluated: 2016-04-21. Review status: criteria provided, single submitter. Criteria: ACMG Guidelines, 2015. Collection method: clinical testing. Allele origin: germline.
ClinVar note: Converted during submission from Likely Benign to Likely benign.

Genetic Services Laboratory, University of Chicago
Classification: Benign. Last evaluated: 2015-08-27. Review status: criteria provided, single submitter. Criteria: ACMG Guidelines, 2015. Collection method: clinical testing. Allele origin: germline. Affected: no.

GeneDx
Classification: Benign. Last evaluated: 2013-12-11. Review status: criteria provided, single submitter. Criteria: GeneDx Variant Classification (06012015). Collection method: clinical testing. Allele origin: germline. Affected: yes.
Comment: This variant is considered likely benign or benign based on one or more of the following criteria: it is a conservative change, it occurs at a poorly conserved position in the protein, it is predicted to be benign by multiple in silico algorithms, and/or has population frequency not consistent with disease.

Eurofins Ntd Llc (ga)
Classification: Benign. Last evaluated: 2013-05-09. Review status: criteria provided, single submitter. Criteria: EGL Classification Definitions 2015. Collection method: clinical testing. Allele origin: germline. Observed: 2 variant alleles, 2 heterozygotes.

Breakthrough Genomics
Classification: Likely benign. Review status: criteria provided, single submitter. Criteria: ACMG Guidelines, 2015. Collection method: not provided. Allele origin: germline. Inheritance: Autosomal dominant inheritance. Affected: yes.

Diagnostic Laboratory, Department of Genetics, University Medical Center Groningen
Classification: Likely benign. Review status: no assertion criteria provided. Collection method: clinical testing. Allele origin: germline. Affected: yes. Study: VKGL Data-share Consensus. Not counted in ClinVar's aggregate classification.

Diagnostic Laboratory, Strasbourg University Hospital
Classification: Uncertain significance for Seizure. Review status: no assertion criteria provided. Collection method: clinical testing. Allele origin: maternal. Affected: yes. Observed: 1 heterozygote. Not counted in ClinVar's aggregate classification.

Genome Diagnostics Laboratory, University Medical Center Utrecht
Classification: Likely benign. Review status: no assertion criteria provided. Collection method: clinical testing. Allele origin: germline. Affected: yes. Study: VKGL Data-share Consensus. Not counted in ClinVar's aggregate classification.

Joint Genome Diagnostic Labs from Nijmegen and Maastricht, Radboudumc and MUMC+
Classification: Likely benign. Review status: no assertion criteria provided. Collection method: clinical testing. Allele origin: germline. Affected: yes. Study: VKGL Data-share Consensus. Not counted in ClinVar's aggregate classification.

Laboratory of Diagnostic Genome Analysis, Leiden University Medical Center (LUMC)
Classification: Likely benign. Review status: no assertion criteria provided. Collection method: clinical testing. Allele origin: germline. Affected: yes. Study: VKGL Data-share Consensus. Not counted in ClinVar's aggregate classification.

Literature cited by the submitters: PubMed 24828792 (cited by Athena Diagnostics); PubMed 23077024 (cited by Athena Diagnostics); PubMed 23566103 (cited by Athena Diagnostics); PubMed 24594579 (cited by Athena Diagnostics); PubMed 31124310 (cited by Athena Diagnostics); PubMed 23529024 (cited by Athena Diagnostics); PubMed 22243967 (cited by Athena Diagnostics).

NM_145239.3(PRRT2):c.647C>T (p.Pro216Leu)

Genes: MVP-DT (MVP divergent transcript; minus strand), PRRT2 (proline rich transmembrane protein 2; plus strand). Cytogenetic location: 16p11.2.
Variant type: single nucleotide variant.
Coding change: c.647C>T on transcript NM_145239.3 (MANE Select); coding-DNA position 647, C replaced by T.
Protein change: p.Pro216Leu; replaces proline 216 with leucine.
Molecular consequence: missense variant.
Genome position (GRCh38, 1-based): chr16:29,813,701, C>T. VCF-style: chr16-29813701-C-T. GRCh37 (hg19) VCF-style: chr16-29825022-C-T.
Other names: p.P216L:CCC>CTC; c.647C>T, p.Pro216Leu (NM_001256442.2, NM_001256443.2); short protein forms P216L.
Identifiers: ClinVar variation 96494 (VCV000096494.106), dbSNP rs76335820, ClinGen allele CA285795.
Genomic context (GRCh38, chr16:29,813,701, plus strand): 5'-CAGCCCCTGAGCCTCACTCACCACCCTCAAAAAAATCCCCCCCAGCCAATGGGGCCCCCC[C>T]CCGAGTGCTGCAGCAGCTGGTTGAGGAGGATCGAATGAGAAGGGCACACAGTGGGCATCC-3'
Protein context (NP_660282.2, residues 206-226): KKSPPANGAP[Pro216Leu]RVLQQLVEED